The following is an entry in ClinVar:

ClinVar aggregate classification (germline): Uncertain significance. Review status: criteria provided, multiple submitters, no conflicts (2 of 4 stars). 2 submissions from 2 submitters: Uncertain significance (2). Last evaluated 2025-08-28.

Conditions:
Inborn genetic diseases. Identifiers: MedGen C0950123, MeSH D030342.
Perlman syndrome (PRLMNS). Identifiers: Orphanet 2849, MedGen C0796113, MONDO:0009965, OMIM 267000.

gnomAD v4.1: 1 of 1,614,116 alleles (0.000062%); highest among the groups gnomAD compares: Non-Finnish European, 0.000085%; no homozygotes.

Submissions (2):

Ambry Genetics
Classification: Uncertain significance for Inborn genetic diseases. Last evaluated: 2025-08-28. Review status: criteria provided, single submitter. Criteria: Ambry Variant Classification Scheme 2023. Collection method: clinical testing. Allele origin: germline.

Labcorp Genetics (formerly Invitae), Labcorp
Classification: Uncertain significance for Perlman syndrome. Last evaluated: 2021-10-17. Review status: criteria provided, single submitter. Criteria: Invitae Variant Classification Sherloc (09022015). Collection method: clinical testing. Allele origin: germline.
Comment: In summary, the available evidence is currently insufficient to determine the role of this variant in disease. Therefore, it has been classified as a Variant of Uncertain Significance. Algorithms developed to predict the effect of missense changes on protein structure and function (SIFT, PolyPhen-2, Align-GVGD) all suggest that this variant is likely to be tolerated. This variant has not been reported in the literature in individuals affected with DIS3L2-related conditions. This variant is not present in population databases (ExAC no frequency). This sequence change replaces leucine with valine at codon 254 of the DIS3L2 protein (p.Leu254Val). The leucine residue is moderately conserved and there is a small physicochemical difference between leucine and valine.

NM_152383.5(DIS3L2):c.760T>G (p.Leu254Val)

Gene: DIS3L2 (DIS3 like 3'-5' exoribonuclease 2; plus strand). Cytogenetic location: 2q37.1.
Variant type: single nucleotide variant.
Coding change: c.760T>G on transcript NM_152383.5 (MANE Select); coding-DNA position 760, T replaced by G.
Protein change: p.Leu254Val; replaces leucine 254 with valine.
Molecular consequence: missense variant. On other transcripts: non-coding transcript variant (1).
Genome position (GRCh38, 1-based): chr2:232,136,529, T>G. VCF-style: chr2-232136529-T-G. GRCh37 (hg19) VCF-style: chr2-233001239-T-G.
Other names: c.760T>G (NM_152383.4); c.760T>G, p.Leu254Val (NM_001257281.2); short protein forms L254V.
Identifiers: ClinVar variation 1437356 (VCV001437356.8), dbSNP rs746573965, ClinGen allele CA351153528.